The following is an entry in ClinVar:

NM_000038.6(APC):c.400T>G (p.Leu134Val)

Gene: APC (APC regulator of Wnt signaling pathway; plus strand). Cytogenetic location: 5q22.2.
Variant type: single nucleotide variant.
Coding change: c.400T>G on transcript NM_000038.6 (MANE Select); coding-DNA position 400, T replaced by G.
Protein change: p.Leu134Val; replaces leucine 134 with valine.
Molecular consequence: missense variant. On other transcripts: 5 prime UTR variant (4), non-coding transcript variant (2).
Genome position (GRCh38, 1-based): chr5:112,767,368, T>G. VCF-style: chr5-112767368-T-G. GRCh37 (hg19) VCF-style: chr5-112103065-T-G.
Other names: c.430T>G, p.Leu144Val (NM_001407446.1, NM_001127511.3, NM_001354897.2 and 1 more transcripts); c.400T>G, p.Leu134Val (NM_001407447.1, NM_001407448.1, NM_001407449.1 and 16 more transcripts); c.325T>G, p.Leu109Val (NM_001407451.1, NM_001354898.2, NM_001354904.2); c.223T>G, p.Leu75Val (NM_001407453.1, NM_001354900.2, NM_001354901.2 and 1 more transcripts); c.-636T>G (NM_001407470.1, NM_001407471.1, NM_001407472.1 and 1 more transcripts); short protein forms L134V, L109V, L144V, L75V.
Identifiers: ClinVar variation 3929545 (VCV003929545.1).
Genomic context (GRCh38, chr5:112,767,368, plus strand): 5'-CCTATGGGTTCATTTCCAAGAAGAGGGTTTGTAAATGGAAGCAGAGAAAGTACTGGATAT[T>G]TAGAAGAACTTGAGAAAGAGAGGTAACTTTTCTTCATATAGTAAACATTGCCTTGTGTAC-3'
Protein context (NP_000029.2, residues 124-144): VNGSRESTGY[Leu134Val]EELEKERSLL

ClinVar aggregate classification (germline): Uncertain significance (1 of 4 stars; one submission).

Conditions:
Hereditary cancer-predisposing syndrome. Also called: Hereditary Cancer Syndrome; Hereditary neoplastic syndrome; Neoplastic Syndromes, Hereditary; Tumor predisposition. Identifiers: Orphanet 140162, MedGen C0027672, MeSH D009386, MONDO:0015356.

Submission:

Ambry Genetics
Classification: Uncertain significance for Hereditary cancer-predisposing syndrome. Last evaluated: 2025-05-19. Review status: criteria provided, single submitter. Criteria: Ambry Variant Classification Scheme 2023. Collection method: clinical testing. Allele origin: germline.
Comment: The p.L134V variant (also known as c.400T>G), located in coding exon 3 of the APC gene, results from a T to G substitution at nucleotide position 400. The leucine at codon 134 is replaced by valine, an amino acid with highly similar properties. This amino acid position is conserved. In addition, in silico predictors for this gene do not accurately predict pathogenicity. Based on the available evidence, the clinical significance of this variant remains unclear.